The following is an entry in ClinVar:

ClinVar aggregate classification (germline): Uncertain significance. Review status: criteria provided, multiple submitters, no conflicts (2 of 4 stars). 2 submissions from 2 submitters: Uncertain significance (2). Last evaluated 2025-10-07.

Conditions:
Hypertrophic cardiomyopathy. Also called: HYPERTROPHIC MYOCARDIOPATHY. Identifiers: Orphanet 217569, MedGen C0007194, MeSH D002312, MONDO:0005045, HP:0001639.
Cardiomyopathy (CMYO). Also called: Cardiomyopathies. Identifiers: Orphanet 167848, MedGen C0878544, MONDO:0004994, HP:0001638. Inheritance: Various modes of inheritance.

Submissions (2):

Color Diagnostics, LLC DBA Color Health
Classification: Uncertain significance for Cardiomyopathy. Last evaluated: 2025-10-07. Review status: criteria provided, single submitter. Criteria: ACMG Guidelines, 2015. Collection method: clinical testing. Allele origin: germline.
Comment: This missense variant replaces tryptophan with cysteine at codon 1098 of the MYBPC3 protein. Computational prediction suggests that this variant may not impact protein structure and function. To our knowledge, functional studies have not been reported for this variant. This variant has not been reported in individuals affected with MYBPC3-related disorders in the literature. This variant has been identified in 5/1443530 chromosomes in the general population by the Genome Aggregation Database (gnomAD). The available evidence is insufficient to determine the role of this variant in disease conclusively. Therefore, this variant is classified as a Variant of Uncertain Significance.

Labcorp Genetics (formerly Invitae), Labcorp
Classification: Uncertain significance for Hypertrophic cardiomyopathy. Last evaluated: 2024-10-17. Review status: criteria provided, single submitter. Criteria: Invitae Variant Classification Sherloc (09022015). Collection method: clinical testing. Allele origin: germline.
Comment: This sequence change replaces tryptophan, which is neutral and slightly polar, with cysteine, which is neutral and slightly polar, at codon 1098 of the MYBPC3 protein (p.Trp1098Cys). This variant is not present in population databases (gnomAD no frequency). This variant has not been reported in the literature in individuals affected with MYBPC3-related conditions. ClinVar contains an entry for this variant (Variation ID: 1950507). An algorithm developed to predict the effect of missense changes on protein structure and function (PolyPhen-2) suggests that this variant is likely to be disruptive. In summary, the available evidence is currently insufficient to determine the role of this variant in disease. Therefore, it has been classified as a Variant of Uncertain Significance.

NM_000256.3(MYBPC3):c.3294G>T (p.Trp1098Cys)

Gene: MYBPC3 (myosin binding protein C3; minus strand). Cytogenetic location: 11p11.2.
Variant type: single nucleotide variant.
Coding change: c.3294G>T on transcript NM_000256.3 (MANE Select); coding-DNA position 3294, G replaced by T.
Protein change: p.Trp1098Cys; replaces tryptophan 1098 with cysteine.
Molecular consequence: missense variant.
Genome position (GRCh38, 1-based): chr11:47,333,230, C>A on the plus strand (G>T on the coding strand, the complement: MYBPC3 is on the minus strand). VCF-style: chr11-47333230-C-A. GRCh37 (hg19) VCF-style: chr11-47354781-C-A.
Other names: short protein forms W1098C.
Identifiers: ClinVar variation 1950507 (VCV001950507.5), dbSNP rs767039057, ClinGen allele CA079269.
Genomic context (GRCh38, chr11:47,333,230, plus strand): 5'-GGGGACCCCAGACCCTGGGCTCACCATGGTCTTCTTGTCGGCTTTCTGCACTGTGTACCC[C>A]CAGAGCTCCGTGTTGCCGACATCCTGGGGTGGCTTCCACTCCAGAGCCACATTAAGACCC-3'
Protein context (NP_000247.2, residues 1088-1108): PPQDVGNTEL[Trp1098Cys]GYTVQKADKK